The following is an entry in ClinVar:

NM_170707.4(LMNA):c.125T>C (p.Leu42Ser)

Gene: LMNA (lamin A/C; plus strand). Cytogenetic location: 1q22.
Variant type: single nucleotide variant.
Coding change: c.125T>C on transcript NM_170707.4 (MANE Select); coding-DNA position 125, T replaced by C.
Protein change: p.Leu42Ser; replaces leucine 42 with serine.
Molecular consequence: missense variant.
Genome position (GRCh38, 1-based): chr1:156,115,043, T>C. VCF-style: chr1-156115043-T-C. GRCh37 (hg19) VCF-style: chr1-156084834-T-C.
Other names: c.125T>C, p.Leu42Ser (NM_001282625.2, NM_001282626.2, NM_005572.4 and 1 more transcripts); short protein forms L42S.
Identifiers: ClinVar variation 1479657 (VCV001479657.6), dbSNP rs2102817644, ClinGen allele CA342807769.

ClinVar aggregate classification (germline): Pathogenic (1 of 4 stars; one submission).

Conditions:
Charcot-Marie-Tooth disease type 2. Also called: Charcot-Marie-Tooth type 2. Identifiers: Orphanet 64746, MedGen C0270914, MONDO:0018993.

Submission:

Labcorp Genetics (formerly Invitae), Labcorp
Classification: Pathogenic for Charcot-Marie-Tooth disease type 2. Last evaluated: 2025-09-08. Review status: criteria provided, single submitter. Criteria: Invitae Variant Classification Sherloc (09022015). Collection method: clinical testing. Allele origin: germline.
Comment: This sequence change replaces leucine, which is neutral and non-polar, with serine, which is neutral and polar, at codon 42 of the LMNA protein (p.Leu42Ser). This variant is not present in population databases (gnomAD no frequency). This missense change has been observed in individual(s) with clinical features of LMNA-related conditions (PMID: 34240052; internal data). In at least one individual the variant was observed to be de novo. ClinVar contains an entry for this variant (Variation ID: 1479657). Invitae Evidence Modeling of protein sequence and biophysical properties (such as structural, functional, and spatial information, amino acid conservation, physicochemical variation, residue mobility, and thermodynamic stability) indicates that this missense variant is expected to disrupt LMNA protein function with a positive predictive value of 95%. For these reasons, this variant has been classified as Pathogenic.

Literature cited by the submitters: PubMed 34240052.